The following is an entry in ClinVar:

ClinVar aggregate classification (germline): Likely pathogenic (1 of 4 stars; one submission).

Conditions:
Charcot-Marie-Tooth disease type 1E. Also called: Charcot-Marie-Tooth Neuropathy Type 1E; CHARCOT-MARIE-TOOTH DISEASE, DEMYELINATING, TYPE 1E; CHARCOT-MARIE-TOOTH NEUROPATHY AND DEAFNESS, AUTOSOMAL DOMINANT; Charcot-Marie-Tooth disease and deafness. Identifiers: Orphanet 90658, MedGen C3495591, MONDO:0007311, OMIM 118300.

Submission:

Neuberg Centre For Genomic Medicine, NCGM
Classification: Likely pathogenic for Charcot-Marie-Tooth disease type 1E. Review status: criteria provided, single submitter. Criteria: ACMG Guidelines, 2015. Collection method: clinical testing. Allele origin: germline. Inheritance: Autosomal dominant inheritance. Affected: yes.
Comment: The frame shift c.261_262del (p.Phe88fs) variant has been submitted to ClinVar as Pathogenic, but no significant details are provided for independent assessment. The p.Phe88fs variant is novel (not in any individuals) in gnomAD Exomes and is novel (not in any individuals) in 1000 Genomes. This sequence change results in a premature translational stop signal in the PMP22 gene (p.Phe88Hisfs*134). Other frameshift variants (p.Pro122Glyfs*100 and p.Leu148Glnfs*74) that lie downstream of this variant and result in a similarly extended protein product have been reported in individuals affected with hereditary neuropathy with liability to pressure palsies (Bissar-Tadmouri N et al). This suggests that variants that disrupt this residue are likely to be causative of disease. For these reasons, this variant has been classified as Likely Pathogenic.

NM_000304.4(PMP22):c.257_267del (p.Gln86fs)

Gene: PMP22 (peripheral myelin protein 22; minus strand). Cytogenetic location: 17p12.
Variant type: Deletion.
Coding change: c.257_267del on transcript NM_000304.4 (MANE Select); coding-DNA positions 257 to 267, 11 bases deleted (AACTCTTCACC).
Protein change: p.Gln86fs; shifts the reading frame from glutamine 86.
Molecular consequence: frameshift variant. On other transcripts: non-coding transcript variant (2).
Genome position (GRCh38, 1-based): chr17:15,239,523-15,239,533, GGTGAAGAGTT deleted on the plus strand (AACTCTTCACC on the coding strand, the reverse complement: PMP22 is on the minus strand); deleting any 11 consecutive bases within chr17:15,239,523-15,239,535 gives the same sequence; the c. name uses the placement nearest the transcript's 3' end. VCF-style (leftmost placement, unchanged base first): chr17-15239522-GGGTGAAGAGTT-G. GRCh37 (hg19) VCF-style: chr17-15142839-GGGTGAAGAGTT-G.
Other names: c.257_267del, p.Gln86fs (NM_001281455.2, NM_001281456.2, NM_001330143.2 and 2 more transcripts); short protein forms Q86fs.
Identifiers: ClinVar variation 2584815 (VCV002584815.1), dbSNP rs2508077437, ClinGen allele CA2582342147.